The following is an entry in ClinVar:

ClinVar aggregate classification (germline): Conflicting classifications of pathogenicity. Review status: criteria provided, conflicting classifications (1 of 4 stars). 13 submissions from 13 submitters: Uncertain significance (9); Benign (1); Likely benign (2). 1 of the submissions does not count toward it. Last evaluated 2026-08-01.

Conditions:
C3 glomerulonephritis. Also called: C3 GLOMERULOPATHY 3; Nephropathy due to CFHR5 Deficiency. Identifiers: Orphanet 329931, MedGen C4055342, MONDO:0013892, OMIM 614809.
CFHR5 deficiency. Identifiers: MedGen C3553720.
Chronic kidney disease. Identifiers: MedGen C1561643, MONDO:0005300, HP:0012622.

Submissions (13):

CeGaT Center for Human Genetics Tuebingen
Classification: Likely benign. Last evaluated: 2026-08-01. Review status: criteria provided, single submitter. Criteria: CeGaT Center For Human Genetics Tuebingen Variant Classification Criteria Version 2. Collection method: clinical testing. Allele origin: germline. Affected: yes. Observed: 1 variant allele.
Comment: CFHR5: BS1

Dasa
Classification: Uncertain significance. Last evaluated: 2026-04-27. Review status: criteria provided, single submitter. Criteria: DASA Assertion Criteria. Collection method: clinical testing. Allele origin: germline.
Comment: NM_030787.4(CFHR5):c.486dup (p.Glu163Argfs*35) is a frameshift variant in CFHR5 predicted to alter the reading frame and introduce a premature termination codon and is predicted to result in an absent or altered protein product. This variant is rare in population databases. The currently available literature and clinical evidence are not sufficient to establish a definitive association between this variant and the reported condition. Therefore, this variant is classified as a variant of uncertain significance.

Labcorp Genetics (formerly Invitae), Labcorp
Classification: Likely benign. Last evaluated: 2026-01-18. Review status: criteria provided, single submitter. Criteria: Invitae Variant Classification Sherloc (09022015). Collection method: clinical testing. Allele origin: germline.

Mayo Clinic Laboratories, Mayo Clinic
Classification: Uncertain significance. Last evaluated: 2025-04-09. Review status: criteria provided, single submitter. Criteria: ACMG Guidelines, 2015. Collection method: clinical testing. Allele origin: germline. Observed: 18 variant alleles.
Comment: BS2

Women's Health and Genetics/Laboratory Corporation of America, LabCorp
Classification: Uncertain significance. Last evaluated: 2024-10-02. Review status: criteria provided, single submitter. Criteria: LabCorp Variant Classification Summary - May 2015. Collection method: clinical testing. Allele origin: germline.
Comment: Variant summary: CFHR5 c.486dupA (p.Glu163ArgfsX35) results in a premature termination codon, predicted to cause a truncation of the encoded protein or absence of the protein due to nonsense mediated decay, however current evidence is not sufficient to establish loss of function as a mechanism for disease. The variant allele was found at a frequency of 0.002 in 251100 control chromosomes, predominantly at a frequency of 0.0031 within the Non-Finnish European subpopulation in the gnomAD database. The observed variant frequency within Non-Finnish European control individuals in the gnomAD database exceeds the estimated maximal expected allele frequency for a pathogenic variant in CFHR5 causing CFHR5 Deficiency phenotype. c.486dupA has been reported in the literature in individuals affected with CFHR5 Deficiency as well as in at least three healthy individuals (Monteferrante_2006, Vernon_2012, Figueres_2014, Benson_2020). To our knowledge, no experimental evidence demonstrating an impact on protein function has been reported. The following publications have been ascertained in the context of this evaluation (PMID: 32723786, 25260719, 31664448, 17000000, 28750028, 30295827, 22527104, 28054583, 22503529). ClinVar contains an entry for this variant (Variation ID: 402534). Based on the evidence outlined above, the variant was classified as uncertain significance.

Revvity Omics, Revvity
Classification: Uncertain significance for C3 glomerulonephritis. Last evaluated: 2021-08-06. Review status: criteria provided, single submitter. Criteria: ACMG Guidelines, 2015. Collection method: clinical testing. Allele origin: germline.

GeneDx
Classification: Uncertain significance. Last evaluated: 2020-07-01. Review status: criteria provided, single submitter. Criteria: GeneDx Variant Classification Process June 2021. Collection method: clinical testing. Allele origin: germline. Affected: yes.
Comment: Identified in individuals with renal disease, however, it has also been reported in clinically asymptomatic individuals (Monteferrante et al., 2007; Vernon et al., 2012; Figueres et al., 2014; Schapiro et al., 2019); Frameshift variant predicted to result in protein truncation or nonsense mediated decay in a gene for which loss-of-function is not a known mechanism of disease; Also known as c.485dupA and Asn1975Stop using alternate nomenclature; This variant is associated with the following publications: (PMID: 30295827, 31664448, 22503529, 25260719, 17000000, 31980526)

Department of Pathology and Laboratory Medicine, Sinai Health System
Classification: Uncertain significance for C3 glomerulonephritis. Last evaluated: 2020-06-29. Review status: criteria provided, single submitter. Criteria: ACMG Guidelines, 2015. Collection method: research. Allele origin: germline.

Cavalleri Lab, Royal College of Surgeons in Ireland
Classification: Uncertain significance for Chronic kidney disease. Last evaluated: 2020-05-28. Review status: criteria provided, single submitter. Criteria: ACMG Guidelines, 2015. Collection method: research. Allele origin: unknown. Inheritance: Autosomal dominant inheritance. Affected: yes.
Comment: PVS1, BS1

Dubai Health Genomic Medicine Center, Dubai Health
Classification: Uncertain significance for C3 glomerulonephritis. Last evaluated: 2020-03-19. Review status: criteria provided, single submitter. Criteria: ACMG Guidelines, 2015. Collection method: clinical testing. Allele origin: germline. Affected: yes.

Mendelics
Classification: Benign for C3 glomerulonephritis. Last evaluated: 2019-05-28. Review status: criteria provided, single submitter. Criteria: Mendelics Assertion Criteria 2017. Collection method: clinical testing. Allele origin: unknown.

Laboratory for Molecular Medicine, Mass General Brigham Personalized Medicine
Classification: Uncertain significance. Last evaluated: 2017-10-18. Review status: criteria provided, single submitter. Criteria: LMM Criteria. Collection method: clinical testing. Allele origin: germline. Observed: 2 variant alleles.
Comment: Variant classified as Uncertain Significance - Favor Benign. The p.Glu163ArgfsX3 5 variant in CFHR5 (also reported as p.Glu163Arg and p.Asn197Stop) has been prev iously reported in at least two heterozygous individuals with CFHR5-deficiency a nd complement-mediated kidney diseases, as well as at least three asymptomatic i ndividuals (1 control and 2 family members of 1 of the heterozygotes; Monteferra nte 2007, Vernon 2012, and Figueres 2014). This variant has also been reported i n ClinVar (Variation ID#402534). It has been identified in 0.31% (395/126014) Eu ropean chromosomes by the Genome Aggregation Database (rs565457964). This variant is predicted to cause a frameshift, which al ters the protein?s amino acid sequence beginning at position 163 and leads to a premature termination codon 35 amino acids downstream. This alteration is then p redicted to lead to a truncated or absent protein. In summary, while the clinica l significance of the p.Glu163ArgfsX35 variant is uncertain, these data suggest that it is more likely to be benign.

OMIM
Classification: Pathogenic for C3 GLOMERULOPATHY 3. Last evaluated: 2012-07-01. Review status: no assertion criteria provided. Collection method: literature only. Allele origin: germline. Not counted in ClinVar's aggregate classification.

Literature cited by the submitters: PubMed 17000000 (cited by 3 submitters); PubMed 22503529 (cited by 3 submitters); PubMed 25260719 (cited by 3 submitters); PubMed 28054583 (cited by Mayo Clinic Laboratories, Mayo Clinic and Women's Health and Genetics/Laboratory Corporation of America, LabCorp); PubMed 30295827 (cited by Mayo Clinic Laboratories, Mayo Clinic and Women's Health and Genetics/Laboratory Corporation of America, LabCorp); PubMed 31664448 (cited by Mayo Clinic Laboratories, Mayo Clinic and Women's Health and Genetics/Laboratory Corporation of America, LabCorp); PubMed 31980526 (cited by Mayo Clinic Laboratories, Mayo Clinic); PubMed 34566977 (cited by Mayo Clinic Laboratories, Mayo Clinic); PubMed 35355886 (cited by Mayo Clinic Laboratories, Mayo Clinic); PubMed 22527104 (cited by Women's Health and Genetics/Laboratory Corporation of America, LabCorp); PubMed 28750028 (cited by Women's Health and Genetics/Laboratory Corporation of America, LabCorp); PubMed 32723786 (cited by Women's Health and Genetics/Laboratory Corporation of America, LabCorp); Vernon, K. A., Goicoechea de Jorge, E., Hall, A. E., Fremeaux-Bacchi, V., Aitman, T. J., Cook, H. T., Hangartner, R., Koziell, A., Pickering, M. C. Acute presentation and persistent glomerulonephritis following streptococcal infection in a patient with heterozygous complement factor H-related protein 5 deficiency. Am. J. Kidney Dis. 60: 121-125, 2012. (cited by OMIM).

NM_030787.4(CFHR5):c.486dup (p.Glu163fs)

Gene: CFHR5 (complement factor H related 5; plus strand). Cytogenetic location: 1q31.3.
Variant type: Duplication.
Coding change: c.486dup on transcript NM_030787.4 (MANE Select); coding-DNA position 486, one base duplicated (A; older notation c.486dupA).
Protein change: p.Glu163fs; shifts the reading frame from glutamic acid 163.
Genome position (GRCh38, 1-based): chr1:196,994,135, A duplicated; the last of 7 consecutive A bases (chr1:196,994,129-196,994,135); duplicating any one gives the same sequence. VCF-style (leftmost placement, unchanged base first): chr1-196994128-C-CA. GRCh37 (hg19) VCF-style: chr1-196963258-C-CA.
Other names: p.Glu163ArgfsX35; p.Glu163Argfs*35; c.486dupA (NM_030787.3, NM_030787.4); short protein forms E163fs.
Identifiers: ClinVar variation 402534 (VCV000402534.41), dbSNP rs565457964, ClinGen allele CA1307761.
Genomic context (GRCh38, chr1:196,994,128, plus strand): 5'-TTTTATTTTTAGAAGGAGAATGTCATGTTCCAATTTTAGAAGCCAATGTAGATGCTCAGC[C>CA]AAAAAAAGAAAGCTACAAAGTTGGAGACGTGTTGAAATTCTCCTGCAGAAAAAATCTTAT-3'